The following is an entry in ClinVar:

NM_000548.5(TSC2):c.2110A>T (p.Lys704Ter)

Gene: TSC2 (TSC complex subunit 2; plus strand). Cytogenetic location: 16p13.3.
Variant type: single nucleotide variant.
Coding change: c.2110A>T on transcript NM_000548.5 (MANE Select); coding-DNA position 2110, A replaced by T.
Protein change: p.Lys704Ter; replaces lysine 704 with a stop codon.
Molecular consequence: nonsense. On other transcripts: non-coding transcript variant (5).
Genome position (GRCh38, 1-based): chr16:2,072,253, A>T. VCF-style: chr16-2072253-A-T. GRCh37 (hg19) VCF-style: chr16-2122254-A-T.
Other names: c.2200A>T, p.Lys734Ter (NM_001406668.1, NM_001406667.1); c.1999A>T, p.Lys667Ter (NM_001406670.1, NM_001406678.1, NM_001318827.2); c.2098A>T, p.Lys700Ter (NM_001406671.1, NM_001406673.1); c.1963A>T, p.Lys655Ter (NM_001406675.1, NM_001406676.1, NM_001406679.1 and 1 more transcripts); c.2053A>T, p.Lys685Ter (NM_001406677.1); c.1510A>T, p.Lys504Ter (NM_001406680.1, NM_001318831.2, NM_001406682.1 and 6 more transcripts); c.766A>T, p.Lys256Ter (NM_001406690.1, NM_001406691.1, NM_001406692.1 and 6 more transcripts); c.508A>T, p.Lys170Ter (NM_001406698.1); and 3 more; short protein forms K170*, K504*, K700*, K550*, K655*, K685*, K704*, K715*.
Identifiers: ClinVar variation 4724699 (VCV004724699.1).

ClinVar aggregate classification (germline): Pathogenic (1 of 4 stars; one submission).

Conditions:
Tuberous sclerosis 2 (TSC2). Identifiers: Orphanet 805, MedGen C1860707, MONDO:0013199, OMIM 613254.

Submission:

Labcorp Genetics (formerly Invitae), Labcorp
Classification: Pathogenic for Tuberous sclerosis 2. Last evaluated: 2025-08-03. Review status: criteria provided, single submitter. Criteria: Invitae Variant Classification Sherloc (09022015). Collection method: clinical testing. Allele origin: germline.
Comment: This sequence change creates a premature translational stop signal (p.Lys704*) in the TSC2 gene. It is expected to result in an absent or disrupted protein product. Loss-of-function variants in TSC2 are known to be pathogenic (PMID: 10205261, 17304050). This variant is not present in population databases (gnomAD no frequency). This variant has not been reported in the literature in individuals affected with TSC2-related conditions. Algorithms developed to predict the effect of sequence changes on RNA splicing suggest that this variant may disrupt the consensus splice site. For these reasons, this variant has been classified as Pathogenic.

Literature cited by the submitters: PubMed 10205261; PubMed 17304050.